The following is an entry in ClinVar:

NM_000075.4(CDK4):c.532C>T (p.Leu178Phe)

Gene: CDK4 (cyclin dependent kinase 4; minus strand). Cytogenetic location: 12q14.1.
Variant type: single nucleotide variant.
Coding change: c.532C>T on transcript NM_000075.4 (MANE Select); coding-DNA position 532, C replaced by T.
Protein change: p.Leu178Phe; replaces leucine 178 with phenylalanine.
Molecular consequence: missense variant.
Genome position (GRCh38, 1-based): chr12:57,750,756, G>A on the plus strand (C>T on the coding strand, the complement: CDK4 is on the minus strand). VCF-style: chr12-57750756-G-A. GRCh37 (hg19) VCF-style: chr12-58144539-G-A.
Other names: short protein forms L178F.
Identifiers: ClinVar variation 825656 (VCV000825656.12), dbSNP rs1030964946, ClinGen allele CA237844162.
Genomic context (GRCh38, chr12:57,750,756, plus strand): 5'-ACATGTCCACAGGTGTTGCATATGTGGACTGCAGAAGAACTTCGGGAGCTCGGTACCAGA[G>A]TGTAACAACCTAAAGGGAATAGGAAGAATGGATGGGGACCCCATGGGTTACCATGAAACA-3'
Protein context (NP_000066.1, residues 168-188): QMALTPVVVT[Leu178Phe]WYRAPEVLLQ

ClinVar aggregate classification (germline): Uncertain significance. Review status: criteria provided, multiple submitters, no conflicts (2 of 4 stars). 2 submissions from 2 submitters: Uncertain significance (2). Last evaluated 2024-01-31.

Conditions:
Familial melanoma. Also called: Hereditary melanoma; Hereditary cutaneous melanoma. Identifiers: Orphanet 618, MedGen C1512419, MONDO:0018961.
Hereditary cancer-predisposing syndrome. Also called: Neoplastic Syndromes, Hereditary; Tumor predisposition; Hereditary neoplastic syndrome; Hereditary Cancer Syndrome. Identifiers: Orphanet 140162, MedGen C0027672, MeSH D009386, MONDO:0015356.

Allele frequency attached by ClinVar (database versions not stated): gnomAD 0.00001; gnomAD exomes 0.00001; TOPMed 0.00002.
gnomAD v4.1: 19 of 1,613,516 alleles (0.0012%); highest among the groups gnomAD compares: Non-Finnish European, 0.0015%; no homozygotes.

Submissions (2):

Labcorp Genetics (formerly Invitae), Labcorp
Classification: Uncertain significance for Familial melanoma. Last evaluated: 2024-01-31. Review status: criteria provided, single submitter. Criteria: Invitae Variant Classification Sherloc (09022015). Collection method: clinical testing. Allele origin: germline.
Comment: This sequence change replaces leucine, which is neutral and non-polar, with phenylalanine, which is neutral and non-polar, at codon 178 of the CDK4 protein (p.Leu178Phe). This variant is present in population databases (no rsID available, gnomAD 0.002%). This variant has not been reported in the literature in individuals affected with CDK4-related conditions. ClinVar contains an entry for this variant (Variation ID: 825656). Advanced modeling of protein sequence and biophysical properties (such as structural, functional, and spatial information, amino acid conservation, physicochemical variation, residue mobility, and thermodynamic stability) performed at Invitae indicates that this missense variant is expected to disrupt CDK4 protein function with a positive predictive value of 95%. In summary, the available evidence is currently insufficient to determine the role of this variant in disease. Therefore, it has been classified as a Variant of Uncertain Significance.

Ambry Genetics
Classification: Uncertain significance for Hereditary cancer-predisposing syndrome. Last evaluated: 2023-11-10. Review status: criteria provided, single submitter. Criteria: Ambry Variant Classification Scheme 2023. Collection method: clinical testing. Allele origin: germline.
Comment: The p.L178F variant (also known as c.532C>T), located in coding exon 4 of the CDK4 gene, results from a C to T substitution at nucleotide position 532. The leucine at codon 178 is replaced by phenylalanine, an amino acid with highly similar properties. This amino acid position is highly conserved in available vertebrate species. In addition, the in silico prediction for this alteration is inconclusive. Since supporting evidence is limited at this time, the clinical significance of this alteration remains unclear.